The following is an entry in ClinVar:

ClinVar aggregate classification (germline): Likely pathogenic (0 of 4 stars; one submission).

Conditions:
ALMS1-related disorder. Also called: ALMS1-related condition.

Submission:

PreventionGenetics, part of Exact Sciences
Classification: Likely pathogenic for ALMS1-related condition. Last evaluated: 2024-09-05. Review status: no assertion criteria provided. Collection method: clinical testing. Allele origin: germline.
Comment: The ALMS1 c.11782_11789delinsCCGGAAT variant is predicted to result in a frameshift and premature protein termination (p.Ser3928Profs*3). To our knowledge, this variant has not been reported in the literature or a large population database, indicating it is rare. Frameshift variants in ALMS1 are expected to be pathogenic. This variant is interpreted as likely pathogenic.

NM_001378454.1(ALMS1):c.11779_11786delinsCCGGAAT (p.Ser3927fs)

Gene: ALMS1 (ALMS1 centrosome and basal body associated protein; plus strand). Cytogenetic location: 2p13.1.
Variant type: Indel.
Coding change: c.11779_11786delinsCCGGAAT on transcript NM_001378454.1 (MANE Select); coding-DNA positions 11779 to 11786, TCTTGGTC replaced by CCGGAAT.
Protein change: p.Ser3927fs; shifts the reading frame from serine 3927.
Molecular consequence: frameshift variant.
Genome position (GRCh38, 1-based): chr2:73,600,788-73,600,795, TCTTGGTC replaced by CCGGAAT. VCF-style: chr2-73600788-TCTTGGTC-CCGGAAT. GRCh37 (hg19) VCF-style: chr2-73827915-TCTTGGTC-CCGGAAT.
Other names: c.11782_11789delinsCCGGAAT, p.Ser3928fs (NM_015120.4); short protein forms S3927fs, S3928fs.
Identifiers: ClinVar variation 3347310 (VCV003347310.1).